The following is an entry in ClinVar:

ClinVar aggregate classification (germline): Uncertain significance (1 of 4 stars; one submission).

Conditions:
Ehlers-Danlos syndrome, classic type, 1 (EDSCL1). Also called: EHLERS-DANLOS SYNDROME, GRAVIS TYPE; EHLERS-DANLOS SYNDROME, SEVERE CLASSIC TYPE; Ehlers-Danlos syndrome, type 1; Ehlers-Danlos Syndrome, Classic Type, COL5A1-Related; EDS I. Identifiers: MedGen C0268335, MONDO:0019567, OMIM 130000.

Allele frequency attached by ClinVar (database versions not stated): TOPMed below 0.00001.

Submission:

Labcorp Genetics (formerly Invitae), Labcorp
Classification: Uncertain significance for Ehlers-Danlos syndrome, classic type, 1. Last evaluated: 2021-09-17. Review status: criteria provided, single submitter. Criteria: Invitae Variant Classification Sherloc (09022015). Collection method: clinical testing. Allele origin: germline.
Comment: This sequence change replaces proline with serine at codon 1532 of the COL5A1 protein (p.Pro1532Ser). The proline residue is highly conserved and there is a moderate physicochemical difference between proline and serine. In summary, the available evidence is currently insufficient to determine the role of this variant in disease. Therefore, it has been classified as a Variant of Uncertain Significance. Advanced modeling of protein sequence and biophysical properties (such as structural, functional, and spatial information, amino acid conservation, physicochemical variation, residue mobility, and thermodynamic stability) performed at Invitae indicates that this missense variant is not expected to disrupt COL5A1 protein function. This variant has not been reported in the literature in individuals affected with COL5A1-related conditions. This variant is not present in population databases (ExAC no frequency).

NM_000093.5(COL5A1):c.4594C>T (p.Pro1532Ser)

Genes: COL5A1 (collagen type V alpha 1 chain; plus strand), LOC101448202 (uncharacterized LOC101448202; minus strand). Cytogenetic location: 9q34.3.
Variant type: single nucleotide variant.
Coding change: c.4594C>T on transcript NM_000093.5 (MANE Select); coding-DNA position 4594, C replaced by T.
Protein change: p.Pro1532Ser; replaces proline 1532 with serine.
Molecular consequence: missense variant.
Genome position (GRCh38, 1-based): chr9:134,822,136, C>T. VCF-style: chr9-134822136-C-T. GRCh37 (hg19) VCF-style: chr9-137713982-C-T.
Other names: c.4594C>T, p.Pro1532Ser (NM_001278074.1); short protein forms P1532S.
Identifiers: ClinVar variation 1468813 (VCV001468813.6), dbSNP rs1839028504, ClinGen allele CA375458033.
Genomic context (GRCh38, chr9:134,822,136, plus strand): 5'-GCATTTTCTGGTCCTTTTCAGGGTATCACTGGTCCTTCTGGCCCGATTGGGCCTCCTGGG[C>T]CCCCTGGCCTGCCGGTGTGTATCTGGGAGGGGCTTGGTCATTCCTGGGAGGGCAGGGAGG-3'
Protein context (NP_000084.3, residues 1522-1542): GPSGPIGPPG[Pro1532Ser]PGLPGPPGPK